The following is an entry in ClinVar:

NM_001039591.3(USP9X):c.3696T>C (p.Tyr1232=)

Gene: USP9X (ubiquitin specific peptidase 9 X-linked; plus strand). Cytogenetic location: Xp11.4.
Variant type: single nucleotide variant.
Coding change: c.3696T>C on transcript NM_001039591.3 (MANE Select); coding-DNA position 3696, T replaced by C.
Protein change: p.Tyr1232=; no amino-acid change (tyrosine 1232 retained).
Molecular consequence: synonymous variant.
Genome position (GRCh38, 1-based): chrX:41,188,003, T>C. VCF-style: chrX-41188003-T-C. GRCh37 (hg19) VCF-style: chrX-41047256-T-C.
Other names: c.3696T>C, p.Tyr1232= (NM_001039590.3); c.3711T>C, p.Tyr1237= (NM_001410748.1, NM_001410749.1).
Identifiers: ClinVar variation 3025265 (VCV003025265.22), dbSNP rs1465564210, ClinGen allele CA515969583.

ClinVar aggregate classification (germline): Likely benign (1 of 4 stars; one submission).

Allele frequency attached by ClinVar (database versions not stated): gnomAD exomes below 0.00001.
gnomAD v4.1: 4 of 1,208,273 alleles (0.00033%); highest among the groups gnomAD compares: South Asian, 0.0035%; no homozygotes.

Submission:

CeGaT Center for Human Genetics Tuebingen
Classification: Likely benign. Last evaluated: 2024-01-01. Review status: criteria provided, single submitter. Criteria: CeGaT Center For Human Genetics Tuebingen Variant Classification Criteria Version 2. Collection method: clinical testing. Allele origin: germline. Affected: yes. Observed: 2 variant alleles.
Comment: USP9X: BP4, BP7